The following is an entry in ClinVar:

ClinVar aggregate classification (germline): Uncertain significance (1 of 4 stars; one submission).

Submission:

GeneDx
Classification: Uncertain significance. Last evaluated: 2025-06-13. Review status: criteria provided, single submitter. Criteria: GeneDx Variant Classification Process June 2021. Collection method: clinical testing. Allele origin: germline. Affected: yes.
Comment: Not observed at significant frequency in large population cohorts (gnomAD); In silico analysis suggests that this missense variant does not alter protein structure/function; Has not been previously published as pathogenic or benign to our knowledge

NM_001080421.3(UNC13A):c.1459A>C (p.Ile487Leu)

Gene: UNC13A (unc-13 homolog A; minus strand). Cytogenetic location: 19p13.11.
Variant type: single nucleotide variant.
Coding change: c.1459A>C on transcript NM_001080421.3 (MANE Select); coding-DNA position 1459, A replaced by C.
Protein change: p.Ile487Leu; replaces isoleucine 487 with leucine.
Molecular consequence: missense variant.
Genome position (GRCh38, 1-based): chr19:17,649,568, T>G on the plus strand (A>C on the coding strand, the complement: UNC13A is on the minus strand). VCF-style: chr19-17649568-T-G. GRCh37 (hg19) VCF-style: chr19-17760377-T-G.
Other names: c.1459A>C, p.Ile487Leu (NM_001387021.1, NM_001387022.1, NM_001387023.1); short protein forms I487L.
Identifiers: ClinVar variation 4537796 (VCV004537796.1).